The following is an entry in ClinVar:

NM_014704.4(CEP104):c.1138G>A (p.Asp380Asn)

Gene: CEP104 (centrosomal protein 104; minus strand). Cytogenetic location: 1p36.32.
Variant type: single nucleotide variant.
Coding change: c.1138G>A on transcript NM_014704.4 (MANE Select); coding-DNA position 1138, G replaced by A.
Protein change: p.Asp380Asn; replaces aspartic acid 380 with asparagine.
Molecular consequence: missense variant.
Genome position (GRCh38, 1-based): chr1:3,836,674, C>T on the plus strand (G>A on the coding strand, the complement: CEP104 is on the minus strand). VCF-style: chr1-3836674-C-T. GRCh37 (hg19) VCF-style: chr1-3753238-C-T.
Other names: short protein forms D380N.
Identifiers: ClinVar variation 3393608 (VCV003393608.1).

ClinVar aggregate classification (germline): Uncertain significance (1 of 4 stars; one submission).

gnomAD v4.1: 4 of 1,613,684 alleles (0.00025%); highest among the groups gnomAD compares: Admixed American, 0.0017%; no homozygotes.

Submission:

GeneDx
Classification: Uncertain significance. Last evaluated: 2024-06-30. Review status: criteria provided, single submitter. Criteria: GeneDx Variant Classification Process June 2021. Collection method: clinical testing. Allele origin: germline. Affected: yes.
Comment: Not observed at significant frequency in large population cohorts (gnomAD); In silico analysis supports that this missense variant has a deleterious effect on protein structure/function; Has not been previously published as pathogenic or benign to our knowledge